The following is an entry in ClinVar:

NM_007327.4(GRIN1):c.1282G>C (p.Gly428Arg)

Gene: GRIN1 (glutamate ionotropic receptor NMDA type subunit 1; plus strand). Cytogenetic location: 9q34.3.
Variant type: single nucleotide variant.
Coding change: c.1282G>C on transcript NM_007327.4 (MANE Select); coding-DNA position 1282, G replaced by C.
Protein change: p.Gly428Arg; replaces glycine 428 with arginine.
Molecular consequence: missense variant.
Genome position (GRCh38, 1-based): chr9:137,161,140, G>C. VCF-style: chr9-137161140-G-C. GRCh37 (hg19) VCF-style: chr9-140055592-G-C.
Other names: c.1282G>C, p.Gly428Arg (NM_000832.7, NM_021569.4); c.1345G>C, p.Gly449Arg (NM_001185090.2, NM_001185091.2, NM_001437330.1 and 1 more transcripts); short protein forms G449R, G428R.
Identifiers: ClinVar variation 4747302 (VCV004747302.1).

ClinVar aggregate classification (germline): Uncertain significance (1 of 4 stars; one submission).

Conditions:
Neurodevelopmental disorder with or without hyperkinetic movements and seizures, autosomal dominant. Also called: Intellectual disability, autosomal dominant 8. Identifiers: MedGen C3280282, MONDO:0013655, OMIM 614254.

Submission:

Labcorp Genetics (formerly Invitae), Labcorp
Classification: Uncertain significance for Neurodevelopmental disorder with or without hyperkinetic movements and seizures, autosomal dominant. Last evaluated: 2025-11-17. Review status: criteria provided, single submitter. Criteria: Invitae Variant Classification Sherloc (09022015). Collection method: clinical testing. Allele origin: germline.
Comment: This sequence change replaces glycine, which is neutral and non-polar, with arginine, which is basic and polar, at codon 428 of the GRIN1 protein (p.Gly428Arg). This variant is present in population databases (rs750891048, gnomAD 0.0009%). This variant has not been reported in the literature in individuals affected with GRIN1-related conditions. Invitae Evidence Modeling of protein sequence and biophysical properties (such as structural, functional, and spatial information, amino acid conservation, physicochemical variation, residue mobility, and thermodynamic stability) has been performed for this missense variant. However, the output from this modeling did not meet the statistical confidence thresholds required to predict the impact of this variant on GRIN1 protein function. In summary, the available evidence is currently insufficient to determine the role of this variant in disease. Therefore, it has been classified as a Variant of Uncertain Significance.